The following is an entry in ClinVar:

ClinVar aggregate classification (germline): Uncertain significance. Review status: criteria provided, multiple submitters, no conflicts (2 of 4 stars). 3 submissions from 3 submitters: Uncertain significance (3). Last evaluated 2023-12-04.

Conditions:
Hereditary cancer-predisposing syndrome. Also called: Hereditary Cancer Syndrome; Neoplastic Syndromes, Hereditary; Tumor predisposition; Hereditary neoplastic syndrome. Identifiers: Orphanet 140162, MedGen C0027672, MeSH D009386, MONDO:0015356.
Familial cancer of breast. Also called: BREAST CANCER, FAMILIAL; hereditary breast carcinoma; Hereditary breast cancer. Identifiers: Orphanet 227535, MedGen C0346153, MONDO:0016419, OMIM 114480. Disease mechanism: loss of function.
Ataxia-telangiectasia syndrome (AT). Also called: Ataxia-telangiectasia, complementation group D; AT, COMPLEMENTATION GROUP C; Ataxia-telangiectasia; ATAXIA-TELANGIECTASIA, COMPLEMENTATION GROUP A; ATAXIA-TELANGIECTASIA, FRESNO VARIANT; LOUIS-BAR SYNDROME. Identifiers: Orphanet 100, MedGen C0004135, MONDO:0008840, OMIM 208900.

Allele frequency attached by ClinVar (database versions not stated): gnomAD exomes below 0.00001.
gnomAD v4.1: 1 of 1,614,006 alleles (0.000062%); highest among the groups gnomAD compares: Non-Finnish European, 0.000085%; no homozygotes.

Submissions (3):

Color Diagnostics, LLC DBA Color Health
Classification: Uncertain significance for Hereditary cancer-predisposing syndrome. Last evaluated: 2023-12-04. Review status: criteria provided, single submitter. Criteria: ACMG Guidelines, 2015. Collection method: clinical testing. Allele origin: germline.
Comment: This missense variant replaces valine with glycine at codon 1318 of the ATM protein. Computational prediction suggests that this variant may have deleterious impact on protein structure and function (internally defined REVEL score threshold >= 0.7, PMID: 27666373). To our knowledge, functional studies have not been reported for this variant. This variant has not been reported in individuals affected with ATM-related disorders in the literature. This variant has not been identified in the general population by the Genome Aggregation Database (gnomAD). The available evidence is insufficient to determine the role of this variant in disease conclusively. Therefore, this variant is classified as a Variant of Uncertain Significance.

Ambry Genetics
Classification: Uncertain significance for Hereditary cancer-predisposing syndrome. Last evaluated: 2022-02-12. Review status: criteria provided, single submitter. Criteria: Ambry Variant Classification Scheme 2023. Collection method: clinical testing. Allele origin: germline.
Comment: The p.V1318G variant (also known as c.3953T>G), located in coding exon 25 of the ATM gene, results from a T to G substitution at nucleotide position 3953. The valine at codon 1318 is replaced by glycine, an amino acid with dissimilar properties. This amino acid position is conserved. In addition, this alteration is predicted to be deleterious by in silico analysis. Since supporting evidence is limited at this time, the clinical significance of this alteration remains unclear.

Fulgent Genetics
Classification: Uncertain significance for Familial cancer of breast; Ataxia-telangiectasia syndrome. Last evaluated: 2021-12-08. Review status: criteria provided, single submitter. Criteria: ACMG Guidelines, 2015. Collection method: clinical testing. Allele origin: unknown.

NM_000051.4(ATM):c.3953T>G (p.Val1318Gly)

Gene: ATM (ATM serine/threonine kinase; plus strand). Cytogenetic location: 11q22.3.
Variant type: single nucleotide variant.
Coding change: c.3953T>G on transcript NM_000051.4 (MANE Select); coding-DNA position 3953, T replaced by G.
Protein change: p.Val1318Gly; replaces valine 1318 with glycine.
Molecular consequence: missense variant.
Genome position (GRCh38, 1-based): chr11:108,284,433, T>G. VCF-style: chr11-108284433-T-G. GRCh37 (hg19) VCF-style: chr11-108155160-T-G.
Other names: c.3953T>G, p.Val1318Gly (NM_001351834.2); short protein forms V1318G.
Identifiers: ClinVar variation 631451 (VCV000631451.8), dbSNP rs1565447790, ClinGen allele CA382526023.